The following is an entry in ClinVar:

ClinVar aggregate classification (germline): Uncertain significance (1 of 4 stars; one submission).

Conditions:
Hypertrophic cardiomyopathy 14. Identifiers: MedGen C2750467, MONDO:0013197, OMIM 613251.

Submission:

Labcorp Genetics (formerly Invitae), Labcorp
Classification: Uncertain significance for Hypertrophic cardiomyopathy 14. Last evaluated: 2023-03-09. Review status: criteria provided, single submitter. Criteria: Invitae Variant Classification Sherloc (09022015). Collection method: clinical testing. Allele origin: germline.
Comment: In summary, the available evidence is currently insufficient to determine the role of this variant in disease. Therefore, it has been classified as a Variant of Uncertain Significance. Advanced modeling of protein sequence and biophysical properties (such as structural, functional, and spatial information, amino acid conservation, physicochemical variation, residue mobility, and thermodynamic stability) has been performed at Invitae for this missense variant, however the output from this modeling did not meet the statistical confidence thresholds required to predict the impact of this variant on MYH6 protein function. This variant has not been reported in the literature in individuals affected with MYH6-related conditions. This variant is not present in population databases (gnomAD no frequency). This sequence change replaces isoleucine, which is neutral and non-polar, with threonine, which is neutral and polar, at codon 357 of the MYH6 protein (p.Ile357Thr).

NM_002471.4(MYH6):c.1070T>C (p.Ile357Thr)

Gene: MYH6 (myosin heavy chain 6; minus strand). Cytogenetic location: 14q11.2.
Variant type: single nucleotide variant.
Coding change: c.1070T>C on transcript NM_002471.4 (MANE Select); coding-DNA position 1070, T replaced by C.
Protein change: p.Ile357Thr; replaces isoleucine 357 with threonine.
Molecular consequence: missense variant.
Genome position (GRCh38, 1-based): chr14:23,402,535, A>G on the plus strand (T>C on the coding strand, the complement: MYH6 is on the minus strand). VCF-style: chr14-23402535-A-G. GRCh37 (hg19) VCF-style: chr14-23871744-A-G.
Other names: short protein forms I357T.
Identifiers: ClinVar variation 2878796 (VCV002878796.3), dbSNP rs2502197465, ClinGen allele CA389026145.